The following is an entry in ClinVar:

NM_003243.5(TGFBR3):c.216A>G (p.Ala72=)

Gene: TGFBR3 (transforming growth factor beta receptor 3; minus strand). Cytogenetic location: 1p22.1.
Variant type: single nucleotide variant.
Coding change: c.216A>G on transcript NM_003243.5 (MANE Select); coding-DNA position 216, A replaced by G.
Protein change: p.Ala72=; no amino-acid change (alanine 72 retained).
Molecular consequence: synonymous variant. On other transcripts: non-coding transcript variant (1).
Genome position (GRCh38, 1-based): chr1:91,797,317, T>C on the plus strand (A>G on the coding strand, the complement: TGFBR3 is on the minus strand). VCF-style: chr1-91797317-T-C. GRCh37 (hg19) VCF-style: chr1-92262874-T-C.
Other names: c.216A>G, p.Ala72= (NM_001195683.2, NM_001195684.1).
Identifiers: ClinVar variation 1276034 (VCV001276034.4), dbSNP rs2810904, ClinGen allele CA948127.
Genomic context (GRCh38, chr1:91,797,317, plus strand): 5'-AGTGGGCTGAGAGCTGACACCTGCACCTACCTCTCTCTGTAGCTGGCCAGGCCCCTGGCC[T>C]GCAGTGCGGAGATTCAGGACATGCACCTCCTGTGGCAGCCCAGTTGTGCCTCTGCTGGCA-3'
Protein context (NP_003234.2, residues 62-82): QEVHVLNLRT[Ala72=]GQGPGQLQRE

ClinVar aggregate classification (germline): Benign. Review status: criteria provided, multiple submitters, no conflicts (2 of 4 stars). 3 submissions from 3 submitters: Benign (2). 1 of the submissions does not count toward it. Last evaluated 2020-09-24.

Conditions:
TGFBR3-related disorder. Also called: TGFBR3-related condition.

Allele frequency attached by ClinVar (database versions not stated): gnomAD exomes 0.65115 and 0.65975; ExAC 0.66309; gnomAD 0.67190 and 0.67353; ESP Exome Variant Server 0.67861; TOPMed 0.68125; 1000 Genomes Project 30x 0.71518; 1000 Genomes Project 0.71526.
gnomAD v4.1: 1,054,643 of 1,613,988 alleles (65%); highest among the groups gnomAD compares: East Asian, 82%; 346,355 homozygotes.

Submissions (3):

GeneDx
Classification: Benign. Last evaluated: 2020-09-24. Review status: criteria provided, single submitter. Criteria: GeneDx Variant Classification Process June 2021. Collection method: clinical testing. Allele origin: germline. Affected: yes.

Breakthrough Genomics
Classification: Benign. Review status: criteria provided, single submitter. Criteria: ACMG Guidelines, 2015. Collection method: not provided. Allele origin: germline. Inheritance: Unknown mechanism. Affected: yes.

PreventionGenetics, part of Exact Sciences
Classification: Benign for TGFBR3-related condition. Last evaluated: 2019-10-17. Review status: no assertion criteria provided. Collection method: clinical testing. Allele origin: germline. Not counted in ClinVar's aggregate classification.
Comment: This variant is classified as benign based on ACMG/AMP sequence variant interpretation guidelines (Richards et al. 2015 PMID: 25741868, with internal and published modifications).